The following is an entry in ClinVar:

ClinVar aggregate classification (germline): Uncertain significance (1 of 4 stars; one submission).

Conditions:
Bardet-Biedl syndrome (BBS). Identifiers: Orphanet 110, MedGen C0752166, MONDO:0015229.

Allele frequency attached by ClinVar (database versions not stated): gnomAD exomes below 0.00001.
gnomAD v4.1: 1 of 1,611,776 alleles (0.000062%); highest among the groups gnomAD compares: Admixed American, 0.0017%; no homozygotes.

Submission:

Labcorp Genetics (formerly Invitae), Labcorp
Classification: Uncertain significance for Bardet-Biedl syndrome. Last evaluated: 2023-07-03. Review status: criteria provided, single submitter. Criteria: Invitae Variant Classification Sherloc (09022015). Collection method: clinical testing. Allele origin: germline.
Comment: In summary, the available evidence is currently insufficient to determine the role of this variant in disease. Therefore, it has been classified as a Variant of Uncertain Significance. This variant disrupts the p.Gly597 amino acid residue in BBS10. Other variant(s) that disrupt this residue have been observed in individuals with BBS10-related conditions (PMID: 29947050), which suggests that this may be a clinically significant amino acid residue. Advanced modeling of protein sequence and biophysical properties (such as structural, functional, and spatial information, amino acid conservation, physicochemical variation, residue mobility, and thermodynamic stability) performed at Invitae indicates that this missense variant is expected to disrupt BBS10 protein function. ClinVar contains an entry for this variant (Variation ID: 1391629). This missense change has been observed in individual(s) with clinical features of Bardet-Biedl syndrome (Invitae). This variant is present in population databases (no rsID available, gnomAD 0.003%). This sequence change replaces glycine, which is neutral and non-polar, with valine, which is neutral and non-polar, at codon 597 of the BBS10 protein (p.Gly597Val).

Literature cited by the submitters: PubMed 29947050.

NM_024685.4(BBS10):c.1790G>T (p.Gly597Val)

Gene: BBS10 (Bardet-Biedl syndrome 10; minus strand). Cytogenetic location: 12q21.2.
Variant type: single nucleotide variant.
Coding change: c.1790G>T on transcript NM_024685.4 (MANE Select); coding-DNA position 1790, G replaced by T.
Protein change: p.Gly597Val; replaces glycine 597 with valine.
Molecular consequence: missense variant.
Genome position (GRCh38, 1-based): chr12:76,346,195, C>A on the plus strand (G>T on the coding strand, the complement: BBS10 is on the minus strand). VCF-style: chr12-76346195-C-A. GRCh37 (hg19) VCF-style: chr12-76739975-C-A.
Other names: short protein forms G597V.
Identifiers: ClinVar variation 1391629 (VCV001391629.8), dbSNP rs1264836197, ClinGen allele CA385809901.
Genomic context (GRCh38, chr12:76,346,195, plus strand): 5'-TAATTGAGAAGATAGTAATGTAACAAGATCTCAAAATTACCACCTACTGGCAAAACACAA[C>A]CAGCTGGCATAGATGAGGAAAGGTAACTCTGGGAAGTACCCATATTCGGTAACTTACAGC-3'
Protein context (NP_078961.3, residues 587-607): QSYLSSSMPA[Gly597Val]CVLPVGGNFE